The following is an entry in ClinVar:

NM_153006.3(NAGS):c.1120G>A (p.Ala374Thr)

Gene: NAGS (N-acetylglutamate synthase; plus strand). Cytogenetic location: 17q21.31.
Variant type: single nucleotide variant.
Coding change: c.1120G>A on transcript NM_153006.3 (MANE Select); coding-DNA position 1120, G replaced by A.
Protein change: p.Ala374Thr; replaces alanine 374 with threonine.
Molecular consequence: missense variant.
Genome position (GRCh38, 1-based): chr17:44,007,346, G>A. VCF-style: chr17-44007346-G-A. GRCh37 (hg19) VCF-style: chr17-42084714-G-A.
Other names: short protein forms A374T.
Identifiers: ClinVar variation 2578213 (VCV002578213.1), dbSNP rs371804510, ClinGen allele CA8595327.

ClinVar aggregate classification (germline): Uncertain significance (1 of 4 stars; one submission).

Allele frequency attached by ClinVar (database versions not stated): TOPMed below 0.00001; gnomAD 0.00001; ESP Exome Variant Server 0.00008.

Submission:

GeneDx
Classification: Uncertain significance. Last evaluated: 2023-02-28. Review status: criteria provided, single submitter. Criteria: GeneDx Variant Classification Process June 2021. Collection method: clinical testing. Allele origin: germline. Affected: yes.
Comment: Not observed at significant frequency in large population cohorts (gnomAD); In silico analysis supports that this missense variant does not alter protein structure/function; Has not been previously published as pathogenic or benign to our knowledge